The following is an entry in ClinVar:

ClinVar aggregate classification (germline): Likely pathogenic (1 of 4 stars; one submission).

Conditions:
Torsion dystonia 6 (DYT6). Also called: DYT-THAP1. Identifiers: Orphanet 98806, MedGen C1414216, MONDO:0011264, OMIM 602629.

Submission:

3billion
Classification: Likely pathogenic for Torsion dystonia 6. Last evaluated: 2024-11-25. Review status: criteria provided, single submitter. Criteria: ACMG Guidelines, 2015. Collection method: clinical testing. Allele origin: germline. Affected: yes.
Comment: The variant is not observed in the gnomAD v4.1.0 dataset. Predicted Consequence/Location: Frameshift: predicted to result in a loss or disruption of normal protein function through nonsense-mediated decay (NMD) or protein truncation. Multiple pathogenic variants are reported downstream of the variant. Therefore, this variant is classified as Likely pathogenic according to the recommendation of ACMG/AMP guideline.

NM_018105.3(THAP1):c.199dup (p.Cys67fs)

Gene: THAP1 (THAP domain containing 1; minus strand). Cytogenetic location: 8p11.21.
Variant type: Duplication.
Coding change: c.199dup on transcript NM_018105.3 (MANE Select); coding-DNA position 199, one base duplicated (T; older notation c.199dupT).
Protein change: p.Cys67fs; shifts the reading frame from cysteine 67.
Molecular consequence: frameshift variant. On other transcripts: intron variant (1).
Genome position (GRCh38, 1-based): chr8:42,839,254, A duplicated on the plus strand (T on the coding strand, the reverse complement: THAP1 is on the minus strand). VCF-style (leftmost placement, unchanged base first): chr8-42839253-C-CA. GRCh37 (hg19) VCF-style: chr8-42694396-C-CA.
Other names: c.72-918dup (NM_199003.2); short protein forms C67fs.
Identifiers: ClinVar variation 4293393 (VCV004293393.1).